The following is an entry in ClinVar:

ClinVar aggregate classification (germline): Uncertain significance (1 of 4 stars; one submission).

Conditions:
Familial cold autoinflammatory syndrome 3 (FCAS3). Also called: FAMILIAL ATYPICAL COLD URTICARIA; ANTIBODY DEFICIENCY AND IMMUNE DYSREGULATION, PLCG2-ASSOCIATED. Identifiers: Orphanet 300359, MedGen C3280914, MONDO:0013766, OMIM 614468.

gnomAD v4.1: 22 of 1,614,104 alleles (0.0014%); highest among the groups gnomAD compares: East Asian, 0.049%; no homozygotes.

Submission:

Labcorp Genetics (formerly Invitae), Labcorp
Classification: Uncertain significance for Familial cold autoinflammatory syndrome 3. Last evaluated: 2025-02-08. Review status: criteria provided, single submitter. Criteria: Invitae Variant Classification Sherloc (09022015). Collection method: clinical testing. Allele origin: germline.
Comment: This sequence change affects codon 358 of the PLCG2 mRNA. It is a 'silent' change, meaning that it does not change the encoded amino acid sequence of the PLCG2 protein. This variant is present in population databases (no rsID available, gnomAD 0.006%). This variant has not been reported in the literature in individuals affected with PLCG2-related conditions. Algorithms developed to predict the effect of sequence changes on RNA splicing suggest that this variant may create or strengthen a splice site. In summary, the available evidence is currently insufficient to determine the role of this variant in disease. Therefore, it has been classified as a Variant of Uncertain Significance.

NM_002661.5(PLCG2):c.1074G>A (p.Leu358=)

Gene: PLCG2 (phospholipase C gamma 2; plus strand). Cytogenetic location: 16q23.3.
Variant type: single nucleotide variant.
Coding change: c.1074G>A on transcript NM_002661.5 (MANE Select); coding-DNA position 1074, G replaced by A.
Protein change: p.Leu358=; no amino-acid change (leucine 358 retained).
Molecular consequence: synonymous variant.
Genome position (GRCh38, 1-based): chr16:81,895,808, G>A. VCF-style: chr16-81895808-G-A. GRCh37 (hg19) VCF-style: chr16-81929413-G-A.
Other names: c.1074G>A, p.Leu358= (NM_001425749.1, NM_001425750.1, NM_001425751.1).
Identifiers: ClinVar variation 3606815 (VCV003606815.2).